The following is an entry in ClinVar:

ClinVar aggregate classification (germline): Uncertain significance (1 of 4 stars; one submission).

Conditions:
Oligodontia-cancer predisposition syndrome. Also called: TOOTH AGENESIS-COLORECTAL CANCER SYNDROME. Identifiers: Orphanet 300576, MedGen C1837750, MONDO:0012075, OMIM 608615. Disease mechanism: loss of function.

Submission:

Labcorp Genetics (formerly Invitae), Labcorp
Classification: Uncertain significance for Oligodontia-cancer predisposition syndrome. Last evaluated: 2022-02-20. Review status: criteria provided, single submitter. Criteria: Invitae Variant Classification Sherloc (09022015). Collection method: clinical testing. Allele origin: germline.
Comment: This sequence change replaces arginine, which is basic and polar, with proline, which is neutral and non-polar, at codon 326 of the AXIN2 protein (p.Arg326Pro). In summary, the available evidence is currently insufficient to determine the role of this variant in disease. Therefore, it has been classified as a Variant of Uncertain Significance. Algorithms developed to predict the effect of missense changes on protein structure and function are either unavailable or do not agree on the potential impact of this missense change (SIFT: "Deleterious"; PolyPhen-2: "Probably Damaging"; Align-GVGD: "Class C15"). This variant has not been reported in the literature in individuals affected with AXIN2-related conditions. This variant is not present in population databases (gnomAD no frequency).

NM_004655.4(AXIN2):c.977G>C (p.Arg326Pro)

Gene: AXIN2 (axin 2; minus strand). Cytogenetic location: 17q24.1.
Variant type: single nucleotide variant.
Coding change: c.977G>C on transcript NM_004655.4 (MANE Select); coding-DNA position 977, G replaced by C.
Protein change: p.Arg326Pro; replaces arginine 326 with proline.
Molecular consequence: missense variant.
Genome position (GRCh38, 1-based): chr17:65,541,537, C>G on the plus strand (G>C on the coding strand, the complement: AXIN2 is on the minus strand). VCF-style: chr17-65541537-C-G. GRCh37 (hg19) VCF-style: chr17-63537655-C-G.
Other names: c.977G>C, p.Arg326Pro (NM_001363813.1); short protein forms R326P.
Identifiers: ClinVar variation 1504251 (VCV001504251.6), dbSNP rs750274537, ClinGen allele CA400679359.